The following is an entry in ClinVar:

NM_018255.4(ELP2):c.794A>G (p.Glu265Gly)

Gene: ELP2 (elongator acetyltransferase complex subunit 2; plus strand). Cytogenetic location: 18q12.2.
Variant type: single nucleotide variant.
Coding change: c.794A>G on transcript NM_018255.4 (MANE Select); coding-DNA position 794, A replaced by G.
Protein change: p.Glu265Gly; replaces glutamic acid 265 with glycine.
Molecular consequence: missense variant. On other transcripts: non-coding transcript variant (4).
Genome position (GRCh38, 1-based): chr18:36,142,964, A>G. VCF-style: chr18-36142964-A-G. GRCh37 (hg19) VCF-style: chr18-33722927-A-G.
Other names: c.989A>G, p.Glu330Gly (NM_001242875.3); c.911A>G, p.Glu304Gly (NM_001242876.3, NM_001324466.2); c.716A>G, p.Glu239Gly (NM_001242877.3, NM_001242878.3); c.584A>G, p.Glu195Gly (NM_001242879.3); c.794A>G, p.Glu265Gly (NM_001324465.2, NM_001324467.2); c.347A>G, p.Glu116Gly (NM_001324468.2); short protein forms E116G, E195G, E239G, E265G, E304G, E330G.
Identifiers: ClinVar variation 3252552 (VCV003252552.1), dbSNP rs772956192.
Genomic context (GRCh38, chr18:36,142,964, plus strand): 5'-TAGAAACTCAGGATGACGATAACATAAGACTGAAAGAAAATACTTTTACCATAGAAAATG[A>G]AAGTGAGTAATAATGAAAATATCCAATATAACGATACTTAGGTCTCCTAGTTGGTTGATT-3'
Protein context (NP_060725.1, residues 255-275): LKENTFTIEN[Glu265Gly]SVKIAFAVTL

ClinVar aggregate classification (germline): Uncertain significance (1 of 4 stars; one submission).

Allele frequency attached by ClinVar (database versions not stated): gnomAD exomes below 0.00001; ExAC 0.00001; TOPMed 0.00007; gnomAD 0.00010.
gnomAD v4.1: 21 of 1,583,112 alleles (0.0013%); highest among the groups gnomAD compares: African/African-American, 0.026%; no homozygotes.

Submission:

GeneDx
Classification: Uncertain significance. Last evaluated: 2023-12-08. Review status: criteria provided, single submitter. Criteria: GeneDx Variant Classification Process June 2021. Collection method: clinical testing. Allele origin: germline. Affected: yes.
Comment: In silico analysis supports that this missense variant does not alter protein structure/function; Has not been previously published as pathogenic or benign to our knowledge